The following is an entry in ClinVar:

NM_001048174.2(MUTYH):c.1320C>T (p.Thr440=)

Gene: MUTYH (mutY DNA glycosylase; minus strand). Cytogenetic location: 1p34.1.
Variant type: single nucleotide variant.
Coding change: c.1320C>T on transcript NM_001048174.2 (MANE Select); coding-DNA position 1320, C replaced by T.
Protein change: p.Thr440=; no amino-acid change (threonine 440 retained).
Molecular consequence: synonymous variant. On other transcripts: non-coding transcript variant (2).
Genome position (GRCh38, 1-based): chr1:45,331,254, G>A on the plus strand (C>T on the coding strand, the complement: MUTYH is on the minus strand). VCF-style: chr1-45331254-G-A. GRCh37 (hg19) VCF-style: chr1-45796926-G-A.
Other names: c.1320C>T, p.Thr440= (NM_001048171.2, NM_001048173.2, NM_001293195.2); c.1323C>T, p.Thr441= (NM_001048172.2); c.1404C>T, p.Thr468= (NM_001128425.2); c.1365C>T, p.Thr455= (NM_001293190.2); c.1353C>T, p.Thr451= (NM_001293191.2); c.1044C>T, p.Thr348= (NM_001293192.2, NM_001293196.2); c.975C>T, p.Thr325= (NM_001350650.2, NM_001350651.2); c.1395C>T, p.Thr465= (NM_012222.3).
Identifiers: ClinVar variation 187067 (VCV000187067.63), dbSNP rs746668146, ClinGen allele CA012688.

ClinVar aggregate classification (germline): Likely benign. Review status: criteria provided, multiple submitters, no conflicts (2 of 4 stars). 9 submissions from 9 submitters: Likely benign (8). 1 of the submissions does not count toward it. Last evaluated 2025-11-19.

Conditions:
MUTYH-related disorder. Also called: MUTYH-related condition; MUTYH-related disorders.
Hereditary cancer-predisposing syndrome. Also called: Tumor predisposition; Neoplastic Syndromes, Hereditary; Hereditary Cancer Syndrome; Hereditary neoplastic syndrome. Identifiers: Orphanet 140162, MedGen C0027672, MeSH D009386, MONDO:0015356.
Familial adenomatous polyposis 2. Also called: MUTYH Polyposis; ADENOMAS, MULTIPLE COLORECTAL, AUTOSOMAL RECESSIVE; Adenomas, multiple colorectal; MYH-associated polyposis; FAP type 2; MUTYH-related attenuated familial adenomatous polyposis. Identifiers: Orphanet 220460, Orphanet 247798, MedGen C3272841, MONDO:0012041, OMIM 608456.

Allele frequency attached by ClinVar (database versions not stated): gnomAD exomes below 0.00001 and 0.00002; gnomAD 0.00001; ExAC 0.00002; TOPMed 0.00002.
gnomAD v4.1: 7 of 1,614,088 alleles (0.00043%); highest among the groups gnomAD compares: East Asian, 0.0022%; no homozygotes.

Submissions (9):

Labcorp Genetics (formerly Invitae), Labcorp
Classification: Likely benign for Familial adenomatous polyposis 2. Last evaluated: 2025-11-19. Review status: criteria provided, single submitter. Criteria: Invitae Variant Classification Sherloc (09022015). Collection method: clinical testing. Allele origin: germline.

CeGaT Center for Human Genetics Tuebingen
Classification: Likely benign. Last evaluated: 2024-11-01. Review status: criteria provided, single submitter. Criteria: CeGaT Center For Human Genetics Tuebingen Variant Classification Criteria Version 2. Collection method: clinical testing. Allele origin: germline. Affected: yes. Observed: 3 variant alleles.
Comment: MUTYH: BP4, BP7

Blueprint Genetics
Classification: Likely benign. Last evaluated: 2024-06-06. Review status: criteria provided, single submitter. Criteria: ACMG Guidelines, 2015. Collection method: clinical testing. Allele origin: germline.

Institute for Biomarker Research, Medical Diagnostic Laboratories, L.L.C.
Classification: Likely benign for Hereditary cancer-predisposing syndrome. Last evaluated: 2023-11-14. Review status: criteria provided, single submitter. Criteria: ACMG Guidelines, 2015. Collection method: clinical testing. Allele origin: germline.

All of Us Research Program, National Institutes of Health
Classification: Likely benign for Familial adenomatous polyposis 2. Last evaluated: 2023-10-02. Review status: criteria provided, single submitter. Criteria: ACMG Guidelines, 2015. Collection method: clinical testing. Allele origin: germline. Inheritance: Autosomal recessive inheritance. Observed: 1 variant allele, 1 heterozygote.
Comment: This study involves interpretation of variants in research participants for the purpose of population health screening. Participant phenotype was not available at the time of variant classification. Additional details can be found in publication PMID: 35346344, PMCID: PMC8962531

Quest Diagnostics Nichols Institute San Juan Capistrano
Classification: Likely benign. Last evaluated: 2019-04-01. Review status: criteria provided, single submitter. Criteria: Quest Diagnostics criteria. Collection method: clinical testing. Allele origin: germline.

Color Diagnostics, LLC DBA Color Health
Classification: Likely benign for Hereditary cancer-predisposing syndrome. Last evaluated: 2017-03-16. Review status: criteria provided, single submitter. Criteria: ACMG Guidelines, 2015. Collection method: clinical testing. Allele origin: germline.

Ambry Genetics
Classification: Likely benign for Hereditary cancer-predisposing syndrome. Last evaluated: 2014-11-02. Review status: criteria provided, single submitter. Criteria: Ambry Variant Classification Scheme 2023. Collection method: clinical testing. Allele origin: germline.

PreventionGenetics, part of Exact Sciences
Classification: Likely benign for MUTYH-related condition. Last evaluated: 2022-04-05. Review status: no assertion criteria provided. Collection method: clinical testing. Allele origin: germline. Not counted in ClinVar's aggregate classification.
Comment: This variant is classified as likely benign based on ACMG/AMP sequence variant interpretation guidelines (Richards et al. 2015 PMID: 25741868, with internal and published modifications).